The following is an entry in ClinVar:

ClinVar aggregate classification (germline): Likely benign (1 of 4 stars; one submission).

Allele frequency attached by ClinVar (database versions not stated): 1000 Genomes Project 30x 0.02498; 1000 Genomes Project 0.02696; TOPMed 0.02701; gnomAD 0.02775 and 0.02936.
gnomAD v4.1: 4,537 of 152,280 alleles (3%); highest among the groups gnomAD compares: South Asian, 8.9%; 106 homozygotes.

Submission:

GeneDx
Classification: Likely benign. Last evaluated: 2018-06-14. Review status: criteria provided, single submitter. Criteria: GeneDx Variant Classification (06012015). Collection method: clinical testing. Allele origin: germline. Affected: yes.
Comment: This variant is considered likely benign or benign based on one or more of the following criteria: it is a conservative change, it occurs at a poorly conserved position in the protein, it is predicted to be benign by multiple in silico algorithms, and/or has population frequency not consistent with disease.

NM_033109.5(PNPT1):c.679+265A>G

Gene: PNPT1 (polyribonucleotide nucleotidyltransferase 1; minus strand). Cytogenetic location: 2p16.1.
Variant type: single nucleotide variant.
Coding change: c.679+265A>G on transcript NM_033109.5 (MANE Select); 265 bases into the intron after coding-DNA position 679, A replaced by G.
Molecular consequence: intron variant.
Genome position (GRCh38, 1-based): chr2:55,679,417, T>C on the plus strand (A>G on the coding strand, the complement: PNPT1 is on the minus strand). VCF-style: chr2-55679417-T-C. GRCh37 (hg19) VCF-style: chr2-55906552-T-C.
Identifiers: ClinVar variation 671250 (VCV000671250.1), dbSNP rs145458797, ClinGen allele CA47664748.
Genomic context (GRCh38, chr2:55,679,417, plus strand): 5'-TAACTTATTAGTCTAAACATAATTATTGAAATTATTTTTAGACTAAAAATTAGTCATAAT[T>C]TTAATAATTAAAATTTAGTCTAAAAATAATTACTGAAATGATCTTGGTAAATATTTTTGT-3'